The following is an entry in ClinVar:

NM_001083961.2(WDR62):c.4528G>A (p.Glu1510Lys)

Gene: WDR62 (WD repeat domain 62; plus strand). Cytogenetic location: 19q13.12.
Variant type: single nucleotide variant.
Coding change: c.4528G>A on transcript NM_001083961.2 (MANE Select); coding-DNA position 4528, G replaced by A.
Protein change: p.Glu1510Lys; replaces glutamic acid 1510 with lysine.
Molecular consequence: missense variant.
Genome position (GRCh38, 1-based): chr19:36,104,984, G>A. VCF-style: chr19-36104984-G-A. GRCh37 (hg19) VCF-style: chr19-36595886-G-A.
Other names: c.4513G>A, p.Glu1505Lys (NM_001411145.1, NM_173636.5); c.4279G>A, p.Glu1427Lys (NM_001411146.1); c.4177G>A, p.Glu1393Lys (NM_001411147.1); short protein forms E1427K, E1510K, E1393K, E1505K.
Identifiers: ClinVar variation 3816081 (VCV003816081.2).

ClinVar aggregate classification (germline): Uncertain significance. Review status: criteria provided, multiple submitters, no conflicts (2 of 4 stars). 2 submissions from 2 submitters: Uncertain significance (2). Last evaluated 2026-02-05.

Conditions:
Inborn genetic diseases. Identifiers: MedGen C0950123, MeSH D030342.

gnomAD v4.1: 205 of 1,603,978 alleles (0.013%); highest among the groups gnomAD compares: Non-Finnish European, 0.017%; no homozygotes.

Submissions (2):

GeneDx
Classification: Uncertain significance. Last evaluated: 2026-02-05. Review status: criteria provided, single submitter. Criteria: GeneDx Variant Classification Process June 2021. Collection method: clinical testing. Allele origin: germline.
Comment: In silico analysis suggests that this missense variant does not alter protein structure/function; Has not been previously published as pathogenic or benign to our knowledge

Ambry Genetics
Classification: Uncertain significance for Inborn genetic diseases. Last evaluated: 2025-03-08. Review status: criteria provided, single submitter. Criteria: Ambry Variant Classification Scheme 2023. Collection method: clinical testing. Allele origin: germline.